The following is an entry in ClinVar:

NM_001429.4(EP300):c.3354C>G (p.Val1118=)

Gene: EP300 (E1A binding protein p300; plus strand). Cytogenetic location: 22q13.2.
Variant type: single nucleotide variant.
Coding change: c.3354C>G on transcript NM_001429.4 (MANE Select); coding-DNA position 3354, C replaced by G.
Protein change: p.Val1118=; no amino-acid change (valine 1118 retained).
Molecular consequence: synonymous variant.
Genome position (GRCh38, 1-based): chr22:41,157,261, C>G. VCF-style: chr22-41157261-C-G. GRCh37 (hg19) VCF-style: chr22-41553265-C-G.
Other names: c.3276C>G, p.Val1092= (NM_001362843.2).
Identifiers: ClinVar variation 3031331 (VCV003031331.2), dbSNP rs11704815, ClinGen allele CA10253109.

ClinVar aggregate classification (germline): Likely benign (0 of 4 stars; one submission).

Conditions:
EP300-related disorder. Also called: EP300-related disorders; EP300-related condition.

Allele frequency attached by ClinVar (database versions not stated): 1000 Genomes Project 30x 0.00016.
gnomAD v4.1: 16 of 1,614,050 alleles (0.00099%); highest among the groups gnomAD compares: Non-Finnish European, 0.0014%; no homozygotes.

Submission:

PreventionGenetics, part of Exact Sciences
Classification: Likely benign for EP300-related condition. Last evaluated: 2022-09-28. Review status: no assertion criteria provided. Collection method: clinical testing. Allele origin: germline.
Comment: This variant is classified as likely benign based on ACMG/AMP sequence variant interpretation guidelines (Richards et al. 2015 PMID: 25741868, with internal and published modifications).